The following is an entry in ClinVar:

ClinVar aggregate classification (germline): Conflicting classifications of pathogenicity. Review status: criteria provided, conflicting classifications (1 of 4 stars). 9 submissions from 8 submitters: Uncertain significance (2); Benign (2); Likely benign (3). 2 of the submissions do not count toward it. Last evaluated 2026-02-04.

Conditions:
Mitochondrial complex I deficiency, nuclear type 1. Also called: NADH-COENZYME Q REDUCTASE DEFICIENCY; MITOCHONDRIAL NADH DEHYDROGENASE COMPONENT OF COMPLEX I, DEFICIENCY OF. Identifiers: MedGen C6022305, MONDO:0100224, OMIM 252010.
Leigh syndrome (NULS). Also called: Leigh Disease; LEIGH SYNDROME, NUCLEAR; Leigh Syndrome (mtDNA deletion); Leigh's necrotizing encephalopathy; Leigh's disease; Leigh's syndrome. Identifiers: Orphanet 506, MedGen C2931891, MONDO:0009723, OMIM 256000.

Allele frequency attached by ClinVar (database versions not stated): 1000 Genomes Project 0.00060; 1000 Genomes Project 30x 0.00062; TOPMed 0.00156; gnomAD exomes 0.00173 and 0.00250; ESP Exome Variant Server 0.00185; gnomAD 0.00187 and 0.00196; ExAC 0.00267.
gnomAD v4.1: 3,882 of 1,607,154 alleles (0.24%); highest among the groups gnomAD compares: Non-Finnish European, 0.29%; 8 homozygotes.

Submissions (9):

Labcorp Genetics (formerly Invitae), Labcorp
Classification: Benign. Last evaluated: 2026-02-04. Review status: criteria provided, single submitter. Criteria: Invitae Variant Classification Sherloc (09022015). Collection method: clinical testing. Allele origin: germline.

Mayo Clinic Laboratories, Mayo Clinic
Classification: Likely benign. Last evaluated: 2025-12-06. Review status: criteria provided, single submitter. Criteria: ACMG Guidelines, 2015. Collection method: clinical testing. Allele origin: germline. Observed: 6 variant alleles.
Comment: BS1, BP4, BP7

CeGaT Center for Human Genetics Tuebingen
Classification: Likely benign. Last evaluated: 2025-12-01. Review status: criteria provided, single submitter. Criteria: CeGaT Center For Human Genetics Tuebingen Variant Classification Criteria Version 2. Collection method: clinical testing. Allele origin: germline. Affected: yes. Observed: 5 variant alleles.
Comment: NDUFS7: BP4, BP7

Blueprint Genetics
Classification: Likely benign. Last evaluated: 2024-11-13. Review status: criteria provided, single submitter. Criteria: ACMG Guidelines, 2015. Collection method: clinical testing. Allele origin: germline.

Illumina Laboratory Services, Illumina
Classification: Uncertain significance for Mitochondrial complex I deficiency, nuclear type 1. Last evaluated: 2018-01-12. Review status: criteria provided, single submitter. Criteria: ICSL Variant Classification Criteria 13 December 2019. Collection method: clinical testing. Allele origin: germline.

Illumina Laboratory Services, Illumina
Classification: Uncertain significance for Leigh syndrome. Last evaluated: 2018-01-12. Review status: criteria provided, single submitter. Criteria: ICSL Variant Classification Criteria 13 December 2019. Collection method: clinical testing. Allele origin: germline.

GeneDx
Classification: Benign. Last evaluated: 2013-01-07. Review status: criteria provided, single submitter. Criteria: GeneDx Variant Classification (06012015). Collection method: clinical testing. Allele origin: germline. Affected: yes.
Comment: This variant is considered likely benign or benign based on one or more of the following criteria: it is a conservative change, it occurs at a poorly conserved position in the protein, it is predicted to be benign by multiple in silico algorithms, and/or has population frequency not consistent with disease.

Clinical Genetics DNA and cytogenetics Diagnostics Lab, Erasmus MC, Erasmus Medical Center
Classification: Likely benign. Review status: no assertion criteria provided. Collection method: clinical testing. Allele origin: germline. Affected: yes. Study: VKGL Data-share Consensus. Not counted in ClinVar's aggregate classification.

Diagnostic Laboratory, Department of Genetics, University Medical Center Groningen
Classification: Likely benign. Review status: no assertion criteria provided. Collection method: clinical testing. Allele origin: germline. Affected: yes. Study: VKGL Data-share Consensus. Not counted in ClinVar's aggregate classification.

NM_024407.5(NDUFS7):c.153C>T (p.Ala51=)

Gene: NDUFS7 (NADH:ubiquinone oxidoreductase core subunit S7; plus strand). Cytogenetic location: 19p13.3.
Variant type: single nucleotide variant.
Coding change: c.153C>T on transcript NM_024407.5 (MANE Select); coding-DNA position 153, C replaced by T.
Protein change: p.Ala51=; no amino-acid change (alanine 51 retained).
Molecular consequence: synonymous variant.
Genome position (GRCh38, 1-based): chr19:1,388,863, C>T. VCF-style: chr19-1388863-C-T. GRCh37 (hg19) VCF-style: chr19-1388862-C-T.
Other names: p.A51A:GCC>GCT; p.Ala51=; c.153C>T, p.Ala51= (NM_001363602.2).
Identifiers: ClinVar variation 138497 (VCV000138497.52), dbSNP rs140236960, ClinGen allele CA292511.